The following is an entry in ClinVar:

NM_000143.4(FH):c.1365G>T (p.Leu455Phe)

Gene: FH (fumarate hydratase; minus strand). Cytogenetic location: 1q43.
Variant type: single nucleotide variant.
Coding change: c.1365G>T on transcript NM_000143.4 (MANE Select); coding-DNA position 1365, G replaced by T.
Protein change: p.Leu455Phe; replaces leucine 455 with phenylalanine.
Molecular consequence: missense variant.
Genome position (GRCh38, 1-based): chr1:241,500,462, C>A on the plus strand (G>T on the coding strand, the complement: FH is on the minus strand). VCF-style: chr1-241500462-C-A. GRCh37 (hg19) VCF-style: chr1-241663762-C-A.
Other names: short protein forms L455F.
Identifiers: ClinVar variation 3515083 (VCV003515083.1).

ClinVar aggregate classification (germline): Uncertain significance (1 of 4 stars; one submission).

Conditions:
Hereditary cancer-predisposing syndrome. Also called: Tumor predisposition; Neoplastic Syndromes, Hereditary; Hereditary Cancer Syndrome; Hereditary neoplastic syndrome. Identifiers: Orphanet 140162, MedGen C0027672, MeSH D009386, MONDO:0015356.

Submission:

Ambry Genetics
Classification: Uncertain significance for Hereditary cancer-predisposing syndrome. Last evaluated: 2024-08-21. Review status: criteria provided, single submitter. Criteria: Ambry Variant Classification Scheme 2023. Collection method: clinical testing. Allele origin: germline.
Comment: The p.L455F variant (also known as c.1365G>T), located in coding exon 9 of the FH gene, results from a G to T substitution at nucleotide position 1365. The leucine at codon 455 is replaced by phenylalanine, an amino acid with highly similar properties. This amino acid position is highly conserved in available vertebrate species. In addition, this alteration is predicted to be deleterious by in silico analysis. Based on the available evidence, the clinical significance of this variant remains unclear.